The following is an entry in ClinVar:

NM_004415.4(DSP):c.3005G>C (p.Arg1002Pro)

Gene: DSP (desmoplakin; plus strand). Cytogenetic location: 6p24.3.
Variant type: single nucleotide variant.
Coding change: c.3005G>C on transcript NM_004415.4 (MANE Select); coding-DNA position 3005, G replaced by C.
Protein change: p.Arg1002Pro; replaces arginine 1002 with proline.
Molecular consequence: missense variant.
Genome position (GRCh38, 1-based): chr6:7,578,483, G>C. VCF-style: chr6-7578483-G-C. GRCh37 (hg19) VCF-style: chr6-7578716-G-C.
Other names: c.3005G>C, p.Arg1002Pro (NM_001008844.3, NM_001319034.2); c.3005G>C (NM_004415.3); short protein forms R1002P.
Identifiers: ClinVar variation 858023 (VCV000858023.14), dbSNP rs371234425, ClinGen allele CA036645.
Genomic context (GRCh38, chr6:7,578,483, plus strand): 5'-AATGCAATATCTTTTTCTTTCTTTCCTTCCTTTTCTCCAAGGCTGCAGATGTTCATGCTC[G>C]GTACATTGAACTACTTACAAGATCTGGAGACTATTACAGGTTCTTAAGTGAGATGCTGAA-3'
Protein context (NP_004406.2, residues 992-1012): ILQEAADVHA[Arg1002Pro]YIELLTRSGD

ClinVar aggregate classification (germline): Conflicting classifications of pathogenicity. Review status: criteria provided, conflicting classifications (1 of 4 stars). 6 submissions from 6 submitters: Uncertain significance (5); Likely benign (1). Last evaluated 2026-05-04.

Conditions:
Cardiovascular phenotype. Identifiers: MedGen CN230736.
Cardiomyopathy (CMYO). Also called: Cardiomyopathies. Identifiers: Orphanet 167848, MedGen C0878544, MONDO:0004994, HP:0001638. Inheritance: Various modes of inheritance.
DSP-related disorder. Also called: DSP-related disorders; DSP-related condition.
Keratosis palmoplantaris striata 2. Also called: KERATODERMA, PALMOPLANTAR, STRIATE FORM II; STRIATE PALMOPLANTAR KERATODERMA II; Keratosis palmoplantaris striata II. Identifiers: MedGen C1852127, MONDO:0013034, OMIM 612908.
Lethal acantholytic epidermolysis bullosa (EBLA). Identifiers: Orphanet 158687, MedGen C1864826, MONDO:0012323, OMIM 609638.
Cardiomyopathy, dilated, with wooly hair, keratoderma, and tooth agenesis. Also called: Cardiomyopathy, dilated, with woolly hair, keratoderma, and tooth agenesis; Erythrokeratodermia-cardiomyopathy syndrome. Identifiers: Orphanet 476096, Orphanet 65282, MedGen C4014393, MONDO:0014355, OMIM 615821.
Woolly hair-skin fragility syndrome (WHSF). Identifiers: Orphanet 293165, MedGen C1843292, MONDO:0957307, OMIM 620415.
Arrhythmogenic cardiomyopathy with wooly hair and keratoderma. Also called: Carvajal syndrome; Dilated cardiomyopathy with woolly hair and keratoderma; PALMOPLANTAR KERATODERMA WITH LEFT VENTRICULAR CARDIOMYOPATHY AND WOOLLY HAIR; Arrhythmogenic cardiomyopathy with woolly hair and keratoderma. Identifiers: Orphanet 65282, MedGen C1854063, MONDO:0011581, OMIM 605676.
Arrhythmogenic right ventricular dysplasia 8 (ARVD8). Also called: Arrhythmogenic Right Ventricular Dysplasia/Cardiomyopathy 8; ARRHYTHMOGENIC RIGHT VENTRICULAR DYSPLASIA, FAMILIAL, 8; ARRHYTHMOGENIC RIGHT VENTRICULAR CARDIOMYOPATHY 8. Identifiers: MedGen C1843896, MONDO:0011831, OMIM 607450.

Allele frequency attached by ClinVar (database versions not stated): TOPMed 0.00002.
gnomAD v4.1: 6 of 1,613,076 alleles (0.00037%); highest among the groups gnomAD compares: African/African-American, 0.0067%; no homozygotes.

Submissions (6):

PreventionGenetics, part of Exact Sciences
Classification: Uncertain significance for DSP-related condition. Last evaluated: 2026-05-04. Review status: criteria provided, single submitter. Criteria: ACMG Guidelines, 2015. Collection method: clinical testing. Allele origin: germline.
Comment: The DSP c.3005G>C variant is predicted to result in the amino acid substitution p.Arg1002Pro. To our knowledge, this variant has not been reported in the literature. This variant is reported in 0.012% of alleles in individuals of African descent in gnomAD. At this time, the clinical significance of this variant is uncertain due to the absence of conclusive functional and genetic evidence.

Labcorp Genetics (formerly Invitae), Labcorp
Classification: Likely benign for Arrhythmogenic cardiomyopathy with wooly hair and keratoderma; Arrhythmogenic right ventricular dysplasia 8. Last evaluated: 2025-09-15. Review status: criteria provided, single submitter. Criteria: Invitae Variant Classification Sherloc (09022015). Collection method: clinical testing. Allele origin: germline.

All of Us Research Program, National Institutes of Health
Classification: Uncertain significance for Arrhythmogenic cardiomyopathy with wooly hair and keratoderma. Last evaluated: 2024-07-10. Review status: criteria provided, single submitter. Criteria: ACMG Guidelines, 2015. Collection method: clinical testing. Allele origin: germline. Inheritance: Autosomal dominant inheritance. Observed: 1 variant allele, 1 heterozygote.
Comment: This missense variant replaces arginine with proline at codon 1002 of the DSP protein. Computational prediction suggests that this variant may not impact protein structure and function (internally defined REVEL score threshold <= 0.5, PMID: 27666373). To our knowledge, functional studies have not been reported for this variant. This variant has not been reported in individuals affected with cardiovascular disorders in the literature. This variant has been identified in 3/282626 chromosomes in the general population by the Genome Aggregation Database (gnomAD). The available evidence is insufficient to determine the role of this variant in disease conclusively. Therefore, this variant is classified as a Variant of Uncertain Significance.

This study involves interpretation of variants in research participants for the purpose of population health screening. Participant phenotype was not available at the time of variant classification. Additional details can be found in publication PMID: 35346344, PMCID: PMC8962531

Color Diagnostics, LLC DBA Color Health
Classification: Uncertain significance for Cardiomyopathy. Last evaluated: 2024-03-06. Review status: criteria provided, single submitter. Criteria: ACMG Guidelines, 2015. Collection method: clinical testing. Allele origin: germline.
Comment: This missense variant replaces arginine with proline at codon 1002 of the DSP protein. Computational prediction suggests that this variant may not impact protein structure and function (internally defined REVEL score threshold <= 0.5, PMID: 27666373). To our knowledge, functional studies have not been reported for this variant. This variant has not been reported in individuals affected with cardiovascular disorders in the literature. This variant has been identified in 3/282626 chromosomes in the general population by the Genome Aggregation Database (gnomAD). The available evidence is insufficient to determine the role of this variant in disease conclusively. Therefore, this variant is classified as a Variant of Uncertain Significance.

Ambry Genetics
Classification: Uncertain significance for Cardiovascular phenotype. Last evaluated: 2023-09-22. Review status: criteria provided, single submitter. Criteria: Ambry Variant Classification Scheme 2023. Collection method: clinical testing. Allele origin: germline.
Comment: The p.R1002P variant (also known as c.3005G>C), located in coding exon 22 of the DSP gene, results from a G to C substitution at nucleotide position 3005. The arginine at codon 1002 is replaced by proline, an amino acid with dissimilar properties. This amino acid position is well conserved in available vertebrate species. In addition, the in silico prediction for this alteration is inconclusive. Since supporting evidence is limited at this time, the clinical significance of this alteration remains unclear.

Fulgent Genetics
Classification: Uncertain significance for Arrhythmogenic cardiomyopathy with wooly hair and keratoderma; Arrhythmogenic right ventricular dysplasia 8; Lethal acantholytic epidermolysis bullosa; Keratosis palmoplantaris striata 2; Cardiomyopathy, dilated, with wooly hair, keratoderma, and tooth agenesis. Last evaluated: 2021-09-10. Review status: criteria provided, single submitter. Criteria: ACMG Guidelines, 2015. Collection method: clinical testing. Allele origin: unknown.